The following is an entry in ClinVar:

NM_020919.4(ALS2):c.853A>G (p.Arg285Gly)

Gene: ALS2 (alsin Rho guanine nucleotide exchange factor ALS2; minus strand). Cytogenetic location: 2q33.1.
Variant type: single nucleotide variant.
Coding change: c.853A>G on transcript NM_020919.4 (MANE Select); coding-DNA position 853, A replaced by G.
Protein change: p.Arg285Gly; replaces arginine 285 with glycine.
Molecular consequence: missense variant.
Genome position (GRCh38, 1-based): chr2:201,761,141, T>C on the plus strand (A>G on the coding strand, the complement: ALS2 is on the minus strand). VCF-style: chr2-201761141-T-C. GRCh37 (hg19) VCF-style: chr2-202625864-T-C.
Other names: c.853A>G, p.Arg285Gly (NM_001135745.2); short protein forms R285G.
Identifiers: ClinVar variation 1344418 (VCV001344418.9), dbSNP rs778865969, ClinGen allele CA2058591.

ClinVar aggregate classification (germline): Uncertain significance. Review status: criteria provided, multiple submitters, no conflicts (2 of 4 stars). 2 submissions from 2 submitters: Uncertain significance (2). Last evaluated 2022-08-09.

Conditions:
Hereditary spastic paraplegia. Also called: Familial spastic paraparesis. Identifiers: Orphanet 685, MedGen C0037773, MONDO:0019064. Disease mechanism: loss of function.
Infantile-onset ascending hereditary spastic paralysis (IAHSP). Also called: Autosomal Recessive Juvenile Amyotrophic Lateral Sclerosis; Infantile-Onset Ascending Hereditary Spastic Paralysis (IAHSP). Identifiers: Orphanet 293168, MedGen C2931441, MONDO:0011797, OMIM 607225. Disease mechanism: loss of function.

Allele frequency attached by ClinVar (database versions not stated): gnomAD 0.00001; gnomAD exomes 0.00001 and 0.00002; TOPMed 0.00001; ExAC 0.00002.

Submissions (2):

Labcorp Genetics (formerly Invitae), Labcorp
Classification: Uncertain significance for Infantile-onset ascending hereditary spastic paralysis. Last evaluated: 2022-08-09. Review status: criteria provided, single submitter. Criteria: Invitae Variant Classification Sherloc (09022015). Collection method: clinical testing. Allele origin: germline.
Comment: This sequence change replaces arginine, which is basic and polar, with glycine, which is neutral and non-polar, at codon 285 of the ALS2 protein (p.Arg285Gly). This variant is present in population databases (rs778865969, gnomAD 0.005%). This variant has not been reported in the literature in individuals affected with ALS2-related conditions. ClinVar contains an entry for this variant (Variation ID: 1344418). Algorithms developed to predict the effect of missense changes on protein structure and function output the following: SIFT: "Tolerated"; PolyPhen-2: "Benign"; Align-GVGD: "Class C0". The glycine amino acid residue is found in multiple mammalian species, which suggests that this missense change does not adversely affect protein function. In summary, the available evidence is currently insufficient to determine the role of this variant in disease. Therefore, it has been classified as a Variant of Uncertain Significance.

Genome Diagnostics Laboratory, The Hospital for Sick Children
Classification: Uncertain significance for Hereditary spastic paraplegia. Last evaluated: 2018-01-24. Review status: criteria provided, single submitter. Criteria: ACMG Guidelines, 2015. Collection method: clinical testing. Allele origin: germline. Affected: yes.